The following is an entry in ClinVar:

NM_006662.3(SRCAP):c.8306A>G (p.Gln2769Arg)

Gene: SRCAP (Snf2 related CREBBP activator protein; plus strand). Cytogenetic location: 16p11.2.
Variant type: single nucleotide variant.
Coding change: c.8306A>G on transcript NM_006662.3 (MANE Select); coding-DNA position 8306, A replaced by G.
Protein change: p.Gln2769Arg; replaces glutamine 2769 with arginine.
Molecular consequence: missense variant.
Genome position (GRCh38, 1-based): chr16:30,738,346, A>G. VCF-style: chr16-30738346-A-G. GRCh37 (hg19) VCF-style: chr16-30749667-A-G.
Other names: short protein forms Q2769R.
Identifiers: ClinVar variation 3626549 (VCV003626549.2).

ClinVar aggregate classification (germline): Uncertain significance (1 of 4 stars; one submission).

Submission:

Labcorp Genetics (formerly Invitae), Labcorp
Classification: Uncertain significance. Last evaluated: 2024-11-21. Review status: criteria provided, single submitter. Criteria: Invitae Variant Classification Sherloc (09022015). Collection method: clinical testing. Allele origin: germline.
Comment: This sequence change replaces glutamine, which is neutral and polar, with arginine, which is basic and polar, at codon 2769 of the SRCAP protein (p.Gln2769Arg). This variant is present in population databases (no rsID available, gnomAD 0.001%). This variant has not been reported in the literature in individuals affected with SRCAP-related conditions. Invitae Evidence Modeling of protein sequence and biophysical properties (such as structural, functional, and spatial information, amino acid conservation, physicochemical variation, residue mobility, and thermodynamic stability) indicates that this missense variant is not expected to disrupt SRCAP protein function with a negative predictive value of 80%. In summary, the available evidence is currently insufficient to determine the role of this variant in disease. Therefore, it has been classified as a Variant of Uncertain Significance.